The following is an entry in ClinVar:

ClinVar aggregate classification (germline): Uncertain significance (1 of 4 stars; one submission).

Allele frequency attached by ClinVar (database versions not stated): gnomAD exomes 0.00001.
gnomAD v4.1: 3 of 1,613,910 alleles (0.00019%); highest among the groups gnomAD compares: East Asian, 0.0022%; no homozygotes.

Submission:

Labcorp Genetics (formerly Invitae), Labcorp
Classification: Uncertain significance. Last evaluated: 2023-08-14. Review status: criteria provided, single submitter. Criteria: Invitae Variant Classification Sherloc (09022015). Collection method: clinical testing. Allele origin: germline.
Comment: In summary, the available evidence is currently insufficient to determine the role of this variant in disease. Therefore, it has been classified as a Variant of Uncertain Significance. Advanced modeling of protein sequence and biophysical properties (such as structural, functional, and spatial information, amino acid conservation, physicochemical variation, residue mobility, and thermodynamic stability) performed at Invitae indicates that this missense variant is not expected to disrupt SLC34A1 protein function. This sequence change replaces glycine, which is neutral and non-polar, with glutamic acid, which is acidic and polar, at codon 549 of the SLC34A1 protein (p.Gly549Glu). This variant is present in population databases (no rsID available, gnomAD 0.006%). This variant has not been reported in the literature in individuals affected with SLC34A1-related conditions.

NM_003052.5(SLC34A1):c.1646G>A (p.Gly549Glu)

Gene: SLC34A1 (solute carrier family 34 member 1; plus strand). Cytogenetic location: 5q35.3.
Variant type: single nucleotide variant.
Coding change: c.1646G>A on transcript NM_003052.5 (MANE Select); coding-DNA position 1646, G replaced by A.
Protein change: p.Gly549Glu; replaces glycine 549 with glutamic acid.
Molecular consequence: missense variant.
Genome position (GRCh38, 1-based): chr5:177,398,012, G>A. VCF-style: chr5-177398012-G-A. GRCh37 (hg19) VCF-style: chr5-176825013-G-A.
Other names: short protein forms G549E.
Identifiers: ClinVar variation 2787950 (VCV002787950.1), dbSNP rs1245138824, ClinGen allele CA362316832.